The following is an entry in ClinVar:

NM_022168.4(IFIH1):c.2286G>C (p.Glu762Asp)

Gene: IFIH1 (interferon induced with helicase C domain 1; minus strand). Cytogenetic location: 2q24.2.
Variant type: single nucleotide variant.
Coding change: c.2286G>C on transcript NM_022168.4 (MANE Select); coding-DNA position 2286, G replaced by C.
Protein change: p.Glu762Asp; replaces glutamic acid 762 with aspartic acid.
Molecular consequence: missense variant.
Genome position (GRCh38, 1-based): chr2:162,276,705, C>G on the plus strand (G>C on the coding strand, the complement: IFIH1 is on the minus strand). VCF-style: chr2-162276705-C-G. GRCh37 (hg19) VCF-style: chr2-163133215-C-G.
Other names: short protein forms E762D.
Identifiers: ClinVar variation 2927657 (VCV002927657.3), dbSNP rs1162608340, ClinGen allele CA348996212.

ClinVar aggregate classification (germline): Uncertain significance (1 of 4 stars; one submission).

Conditions:
Aicardi-Goutieres syndrome 7 (AGS7). Identifiers: Orphanet 51, MedGen C3888244, MONDO:0014367, OMIM 615846.
Singleton-Merten syndrome 1 (SGMRT1). Also called: Widened medullary cavities of bone, aortic calcification, abnormal dentition, and muscular weakness; Syndrome of widened medullary cavities of the metacarpals and phalanges, aortic calcification and abnormal dentition. Identifiers: Orphanet 85191, MedGen C4225427, MONDO:0024535, OMIM 182250.

Allele frequency attached by ClinVar (database versions not stated): gnomAD 0.00002; TOPMed 0.00002.
gnomAD v4.1: 3 of 1,613,224 alleles (0.00019%); highest among the groups gnomAD compares: African/African-American, 0.004%; no homozygotes.

Submission:

Labcorp Genetics (formerly Invitae), Labcorp
Classification: Uncertain significance for Aicardi-Goutieres syndrome 7; Singleton-Merten syndrome 1. Last evaluated: 2023-10-15. Review status: criteria provided, single submitter. Criteria: Invitae Variant Classification Sherloc (09022015). Collection method: clinical testing. Allele origin: germline.
Comment: This sequence change replaces glutamic acid, which is acidic and polar, with aspartic acid, which is acidic and polar, at codon 762 of the IFIH1 protein (p.Glu762Asp). This variant is present in population databases (no rsID available, gnomAD 0.01%). This variant has not been reported in the literature in individuals affected with IFIH1-related conditions. Advanced modeling of protein sequence and biophysical properties (such as structural, functional, and spatial information, amino acid conservation, physicochemical variation, residue mobility, and thermodynamic stability) has been performed at Invitae for this missense variant, however the output from this modeling did not meet the statistical confidence thresholds required to predict the impact of this variant on IFIH1 protein function. Algorithms developed to predict the effect of sequence changes on RNA splicing suggest that this variant may disrupt the consensus splice site. In summary, the available evidence is currently insufficient to determine the role of this variant in disease. Therefore, it has been classified as a Variant of Uncertain Significance.